The following is an entry in ClinVar:

NM_001166114.2(PNPLA6):c.3856G>A (p.Glu1286Lys)

Gene: PNPLA6 (patatin like domain 6, lysophospholipase; plus strand). Cytogenetic location: 19p13.2.
Variant type: single nucleotide variant.
Coding change: c.3856G>A on transcript NM_001166114.2 (MANE Select); coding-DNA position 3856, G replaced by A.
Protein change: p.Glu1286Lys; replaces glutamic acid 1286 with lysine.
Molecular consequence: missense variant.
Genome position (GRCh38, 1-based): chr19:7,561,053, G>A. VCF-style: chr19-7561053-G-A. GRCh37 (hg19) VCF-style: chr19-7625939-G-A.
Other names: c.3742G>A (NM_006702.4); c.3886G>A, p.Glu1296Lys (NM_001166111.2); c.3661G>A, p.Glu1221Lys (NM_001166112.2); c.3742G>A, p.Glu1248Lys (NM_001166113.1, NM_006702.5); short protein forms E1286K, E1248K, E1296K, E1221K.
Identifiers: ClinVar variation 1439199 (VCV001439199.9), dbSNP rs1318719241, ClinGen allele CA403138471.
Genomic context (GRCh38, chr19:7,561,053, plus strand): 5'-CTCACCAGTGTCACCCCACAGGTGCTTGCCTTCCCAAGCTCTGGCTTCACTGACTTGGCA[G>A]AGATTGTGTCCCGGATTGAGCCCCCCACGAGCTATGTCTCTGATGGCTGTGCTGACGGTG-3'
Protein context (NP_001159586.1, residues 1276-1296): FPSSGFTDLA[Glu1286Lys]IVSRIEPPTS

ClinVar aggregate classification (germline): Uncertain significance. Review status: criteria provided, multiple submitters, no conflicts (2 of 4 stars). 2 submissions from 2 submitters: Uncertain significance (2). Last evaluated 2024-07-10.

Conditions:
Hereditary spastic paraplegia 39 (SPG39). Also called: Spastic Paraplegia Type 39 (SPG39); SPASTIC PARAPLEGIA 39, AUTOSOMAL RECESSIVE. Identifiers: Orphanet 139480, MedGen C2677586, MONDO:0012787, OMIM 612020.
Inborn genetic diseases. Identifiers: MedGen C0950123, MeSH D030342.

Allele frequency attached by ClinVar (database versions not stated): gnomAD 0.00001; gnomAD exomes 0.00001; TOPMed 0.00001.
gnomAD v4.1: 24 of 1,613,342 alleles (0.0015%); highest among the groups gnomAD compares: Admixed American, 0.005%; no homozygotes.

Submissions (2):

Ambry Genetics
Classification: Uncertain significance for Inborn genetic diseases. Last evaluated: 2024-07-10. Review status: criteria provided, single submitter. Criteria: Ambry Variant Classification Scheme 2023. Collection method: clinical testing. Allele origin: germline.

Labcorp Genetics (formerly Invitae), Labcorp
Classification: Uncertain significance for Hereditary spastic paraplegia 39. Last evaluated: 2024-02-17. Review status: criteria provided, single submitter. Criteria: Invitae Variant Classification Sherloc (09022015). Collection method: clinical testing. Allele origin: germline.
Comment: This sequence change replaces glutamic acid, which is acidic and polar, with lysine, which is basic and polar, at codon 1248 of the PNPLA6 protein (p.Glu1248Lys). This variant is present in population databases (no rsID available, gnomAD 0.006%). This variant has not been reported in the literature in individuals affected with PNPLA6-related conditions. ClinVar contains an entry for this variant (Variation ID: 1439199). Advanced modeling of protein sequence and biophysical properties (such as structural, functional, and spatial information, amino acid conservation, physicochemical variation, residue mobility, and thermodynamic stability) has been performed at Invitae for this missense variant, however the output from this modeling did not meet the statistical confidence thresholds required to predict the impact of this variant on PNPLA6 protein function. In summary, the available evidence is currently insufficient to determine the role of this variant in disease. Therefore, it has been classified as a Variant of Uncertain Significance.